The following is an entry in ClinVar:

NM_004360.5(CDH1):c.1567T>G (p.Tyr523Asp)

Gene: CDH1 (cadherin 1; plus strand). Cytogenetic location: 16q22.1.
Variant type: single nucleotide variant.
Coding change: c.1567T>G on transcript NM_004360.5 (MANE Select); coding-DNA position 1567, T replaced by G.
Protein change: p.Tyr523Asp; replaces tyrosine 523 with aspartic acid.
Molecular consequence: missense variant. On other transcripts: intron variant (1).
Genome position (GRCh38, 1-based): chr16:68,819,281, T>G. VCF-style: chr16-68819281-T-G. GRCh37 (hg19) VCF-style: chr16-68853184-T-G.
Other names: c.1384T>G, p.Tyr462Asp (NM_001317184.2); c.19T>G, p.Tyr7Asp (NM_001317185.2); c.-254-2720T>G (NM_001317186.2); short protein forms Y7D, Y462D, Y523D.
Identifiers: ClinVar variation 4223604 (VCV004223604.1).

ClinVar aggregate classification (germline): Uncertain significance (1 of 4 stars; one submission).

Conditions:
Hereditary cancer-predisposing syndrome. Also called: Hereditary Cancer Syndrome; Hereditary neoplastic syndrome; Neoplastic Syndromes, Hereditary; Tumor predisposition. Identifiers: Orphanet 140162, MedGen C0027672, MeSH D009386, MONDO:0015356.

Submission:

Ambry Genetics
Classification: Uncertain significance for Hereditary cancer-predisposing syndrome. Last evaluated: 2025-07-13. Review status: criteria provided, single submitter. Criteria: Ambry Variant Classification Scheme 2023. Collection method: clinical testing. Allele origin: germline.
Comment: The p.Y523D variant (also known as c.1567T>G), located in coding exon 11 of the CDH1 gene, results from a T to G substitution at nucleotide position 1567. The tyrosine at codon 523 is replaced by aspartic acid, an amino acid with highly dissimilar properties. This amino acid position is highly conserved in available vertebrate species. In addition, this alteration is predicted to be deleterious by in silico analysis. Based on the available evidence, the clinical significance of this variant remains unclear.